The following is an entry in ClinVar:

NM_005045.4(RELN):c.6241G>A (p.Ala2081Thr)

Gene: RELN (reelin; minus strand). Cytogenetic location: 7q22.1.
Variant type: single nucleotide variant.
Coding change: c.6241G>A on transcript NM_005045.4 (MANE Select); coding-DNA position 6241, G replaced by A.
Protein change: p.Ala2081Thr; replaces alanine 2081 with threonine.
Molecular consequence: missense variant.
Genome position (GRCh38, 1-based): chr7:103,551,128, C>T on the plus strand (G>A on the coding strand, the complement: RELN is on the minus strand). VCF-style: chr7-103551128-C-T. GRCh37 (hg19) VCF-style: chr7-103191575-C-T.
Other names: c.6241G>A, p.Ala2081Thr (NM_173054.3); short protein forms A2081T.
Identifiers: ClinVar variation 646912 (VCV000646912.8), dbSNP rs761368012, ClinGen allele CA4420997.

ClinVar aggregate classification (germline): Uncertain significance (1 of 4 stars; one submission).

Conditions:
Familial temporal lobe epilepsy 7. Identifiers: Orphanet 101046, MedGen C4225327, MONDO:0014639, OMIM 616436.
Norman-Roberts syndrome (LIS2). Also called: Lissencephaly 2 (Norman-Roberts type). Identifiers: Orphanet 89844, MedGen C0796089, MONDO:0009760, OMIM 257320.

Allele frequency attached by ClinVar (database versions not stated): gnomAD 0.00001 and 0.00003; TOPMed 0.00002; gnomAD exomes 0.00005.
gnomAD v4.1: 74 of 1,613,872 alleles (0.0046%); highest among the groups gnomAD compares: Non-Finnish European, 0.0058%; no homozygotes.

Submission:

Labcorp Genetics (formerly Invitae), Labcorp
Classification: Uncertain significance for Familial temporal lobe epilepsy 7; Norman-Roberts syndrome. Last evaluated: 2025-01-14. Review status: criteria provided, single submitter. Criteria: Invitae Variant Classification Sherloc (09022015). Collection method: clinical testing. Allele origin: germline.
Comment: This sequence change replaces alanine, which is neutral and non-polar, with threonine, which is neutral and polar, at codon 2081 of the RELN protein (p.Ala2081Thr). This variant is present in population databases (rs761368012, gnomAD 0.006%). This variant has not been reported in the literature in individuals affected with RELN-related conditions. ClinVar contains an entry for this variant (Variation ID: 646912). Invitae Evidence Modeling of protein sequence and biophysical properties (such as structural, functional, and spatial information, amino acid conservation, physicochemical variation, residue mobility, and thermodynamic stability) indicates that this missense variant is not expected to disrupt RELN protein function with a negative predictive value of 80%. In summary, the available evidence is currently insufficient to determine the role of this variant in disease. Therefore, it has been classified as a Variant of Uncertain Significance.